The following is an entry in ClinVar:

NM_003801.4(GPAA1):c.95G>A (p.Gly32Asp)

Gene: GPAA1 (glycosylphosphatidylinositol anchor attachment 1; plus strand). Cytogenetic location: 8q24.3.
Variant type: single nucleotide variant.
Coding change: c.95G>A on transcript NM_003801.4 (MANE Select); coding-DNA position 95, G replaced by A.
Protein change: p.Gly32Asp; replaces glycine 32 with aspartic acid.
Molecular consequence: missense variant.
Genome position (GRCh38, 1-based): chr8:144,083,144, G>A. VCF-style: chr8-144083144-G-A. GRCh37 (hg19) VCF-style: chr8-145138047-G-A.
Other names: short protein forms G32D.
Identifiers: ClinVar variation 3616319 (VCV003616319.2).

ClinVar aggregate classification (germline): Uncertain significance (1 of 4 stars; one submission).

Submission:

Labcorp Genetics (formerly Invitae), Labcorp
Classification: Uncertain significance. Last evaluated: 2024-05-06. Review status: criteria provided, single submitter. Criteria: Invitae Variant Classification Sherloc (09022015). Collection method: clinical testing. Allele origin: germline.
Comment: This sequence change replaces glycine, which is neutral and non-polar, with aspartic acid, which is acidic and polar, at codon 32 of the GPAA1 protein (p.Gly32Asp). This variant is present in population databases (rs782133603, gnomAD 0.0009%). This variant has not been reported in the literature in individuals affected with GPAA1-related conditions. Advanced modeling of protein sequence and biophysical properties (such as structural, functional, and spatial information, amino acid conservation, physicochemical variation, residue mobility, and thermodynamic stability) performed at Invitae indicates that this missense variant is expected to disrupt GPAA1 protein function with a positive predictive value of 80%. In summary, the available evidence is currently insufficient to determine the role of this variant in disease. Therefore, it has been classified as a Variant of Uncertain Significance.